The following is an entry in ClinVar:

NM_004655.4(AXIN2):c.1841A>T (p.Asp614Val)

Gene: AXIN2 (axin 2; minus strand). Cytogenetic location: 17q24.1.
Variant type: single nucleotide variant.
Coding change: c.1841A>T on transcript NM_004655.4 (MANE Select); coding-DNA position 1841, A replaced by T.
Protein change: p.Asp614Val; replaces aspartic acid 614 with valine.
Molecular consequence: missense variant. On other transcripts: intron variant (1).
Genome position (GRCh38, 1-based): chr17:65,536,935, T>A on the plus strand (A>T on the coding strand, the complement: AXIN2 is on the minus strand). VCF-style: chr17-65536935-T-A. GRCh37 (hg19) VCF-style: chr17-63533053-T-A.
Other names: c.1713-382A>T (NM_001363813.1); c.1841A>T (LRG_296t1); short protein forms D614V.
Identifiers: ClinVar variation 656317 (VCV000656317.9), dbSNP rs1598097785, ClinGen allele CA400676517.

ClinVar aggregate classification (germline): Uncertain significance. Review status: criteria provided, multiple submitters, no conflicts (2 of 4 stars). 2 submissions from 2 submitters: Uncertain significance (2). Last evaluated 2024-10-09.

Conditions:
Hereditary cancer-predisposing syndrome. Also called: Hereditary neoplastic syndrome; Tumor predisposition; Neoplastic Syndromes, Hereditary; Hereditary Cancer Syndrome. Identifiers: Orphanet 140162, MedGen C0027672, MeSH D009386, MONDO:0015356.
Oligodontia-cancer predisposition syndrome. Also called: TOOTH AGENESIS-COLORECTAL CANCER SYNDROME. Identifiers: Orphanet 300576, MedGen C1837750, MONDO:0012075, OMIM 608615. Disease mechanism: loss of function.

Allele frequency attached by ClinVar (database versions not stated): gnomAD exomes below 0.00001.

Submissions (2):

Labcorp Genetics (formerly Invitae), Labcorp
Classification: Uncertain significance for Oligodontia-cancer predisposition syndrome. Last evaluated: 2024-10-09. Review status: criteria provided, single submitter. Criteria: Invitae Variant Classification Sherloc (09022015). Collection method: clinical testing. Allele origin: germline.
Comment: This sequence change replaces aspartic acid, which is acidic and polar, with valine, which is neutral and non-polar, at codon 614 of the AXIN2 protein (p.Asp614Val). This variant is not present in population databases (gnomAD no frequency). This variant has not been reported in the literature in individuals affected with AXIN2-related conditions. ClinVar contains an entry for this variant (Variation ID: 656317). Invitae Evidence Modeling of protein sequence and biophysical properties (such as structural, functional, and spatial information, amino acid conservation, physicochemical variation, residue mobility, and thermodynamic stability) indicates that this missense variant is not expected to disrupt AXIN2 protein function with a negative predictive value of 80%. In summary, the available evidence is currently insufficient to determine the role of this variant in disease. Therefore, it has been classified as a Variant of Uncertain Significance.

Ambry Genetics
Classification: Uncertain significance for Hereditary cancer-predisposing syndrome. Last evaluated: 2023-07-29. Review status: criteria provided, single submitter. Criteria: Ambry Variant Classification Scheme 2023. Collection method: clinical testing. Allele origin: germline.
Comment: The p.D614V variant (also known as c.1841A>T), located in coding exon 6 of the AXIN2 gene, results from an A to T substitution at nucleotide position 1841. The aspartic acid at codon 614 is replaced by valine, an amino acid with highly dissimilar properties. This amino acid position is well conserved in available vertebrate species. In addition, the in silico prediction for this alteration is inconclusive. Since supporting evidence is limited at this time, the clinical significance of this alteration remains unclear.